The following is an entry in ClinVar:

NM_130839.5(UBE3A):c.1822C>G (p.Gln608Glu)

Genes: SNHG14 (small nucleolar RNA host gene 14; plus strand), UBE3A (ubiquitin protein ligase E3A; minus strand). Cytogenetic location: 15q11.2.
Variant type: single nucleotide variant.
Coding change: c.1822C>G on transcript NM_130839.5 (MANE Select); coding-DNA position 1822, C replaced by G.
Protein change: p.Gln608Glu; replaces glutamine 608 with glutamic acid.
Molecular consequence: missense variant. On other transcripts: non-coding transcript variant (1).
Genome position (GRCh38, 1-based): chr15:25,356,828, G>C on the plus strand (C>G on the coding strand, the complement: UBE3A is on the minus strand). VCF-style: chr15-25356828-G-C. GRCh37 (hg19) VCF-style: chr15-25601975-G-C.
Other names: c.1831C>G, p.Gln611Glu (NM_000462.5); c.1822C>G, p.Gln608Glu (NM_001354505.1, NM_001354538.2, NM_001354545.2); c.1762C>G, p.Gln588Glu (NM_001354506.2, NM_001354507.2, NM_001354508.2 and 17 more transcripts); c.1645C>G, p.Gln549Glu (NM_001354546.2); c.571C>G, p.Gln191Glu (NM_001354550.2); c.511C>G, p.Gln171Glu (NM_001354551.2); short protein forms Q588E, Q608E, Q611E, Q171E, Q191E, Q549E.
Identifiers: ClinVar variation 156136 (VCV000156136.1), dbSNP rs587782918, ClinGen allele CA333433.

ClinVar aggregate classification (germline): Uncertain significance (0 of 4 stars; one submission).

Conditions:
Angelman syndrome (AS). Also called: HAPPY PUPPET SYNDROME. Identifiers: Orphanet 72, MedGen C0162635, MONDO:0007113, OMIM 105830. Disease mechanism: loss of function. Inheritance: AS is caused by disruption of maternally imprinted UBE3A located within the 15q11.2-q13 Angelman syndrome/Prader-Willi syndrome (AS/PWS) region., imprinting disorder.

Submission:

Baylor Genetics
Classification: Uncertain significance for Angelman syndrome. Last evaluated: 2014-02-14. Review status: no assertion criteria provided. Collection method: clinical testing. Allele origin: germline. Affected: yes. Observed: 1 variant allele. Study: UBE3A Mutation Study.
Comment: possible diagnosis of Angelman syndrome

Data collected from clinical UBE3A sequence analysis results

Literature cited by the submitters: PubMed 25212744.